The following is an entry in ClinVar:

NM_004036.5(ADCY3):c.2737-7T>G

Gene: ADCY3 (adenylate cyclase 3; minus strand). Cytogenetic location: 2p23.3.
Variant type: single nucleotide variant.
Coding change: c.2737-7T>G on transcript NM_004036.5 (MANE Select); 7 bases into the intron before coding-DNA position 2737, T replaced by G.
Molecular consequence: intron variant.
Genome position (GRCh38, 1-based): chr2:24,823,362, A>C on the plus strand (T>G on the coding strand, the complement: ADCY3 is on the minus strand). VCF-style: chr2-24823362-A-C. GRCh37 (hg19) VCF-style: chr2-25046231-A-C.
Other names: c.2332-732T>G (NM_001377130.1); c.2599-7T>G (NM_001377129.1); c.2740-7T>G (NM_001320613.2); c.2803-7T>G (NM_001377128.1); c.2737-7T>G (NM_001377132.1); c.2014-7T>G (NM_001377131.1).
Identifiers: ClinVar variation 3356461 (VCV003356461.1).

ClinVar aggregate classification (germline): Likely benign (0 of 4 stars; one submission).

Conditions:
ADCY3-related disorder. Also called: ADCY3-related condition.

gnomAD v4.1: 72 of 1,610,368 alleles (0.0045%); highest among the groups gnomAD compares: Non-Finnish European, 0.006%; no homozygotes.

Submission:

PreventionGenetics, part of Exact Sciences
Classification: Likely benign for ADCY3-related condition. Last evaluated: 2020-01-03. Review status: no assertion criteria provided. Collection method: clinical testing. Allele origin: germline.
Comment: This variant is classified as likely benign based on ACMG/AMP sequence variant interpretation guidelines (Richards et al. 2015 PMID: 25741868, with internal and published modifications).